The following is an entry in ClinVar:

ClinVar aggregate classification (germline): Pathogenic (1 of 4 stars; one submission).

Allele frequency attached by ClinVar (database versions not stated): gnomAD exomes below 0.00001.

Submission:

Labcorp Genetics (formerly Invitae), Labcorp
Classification: Pathogenic. Last evaluated: 2019-03-12. Review status: criteria provided, single submitter. Criteria: Invitae Variant Classification Sherloc (09022015). Collection method: clinical testing. Allele origin: germline.
Comment: This sequence change creates a premature translational stop signal (p.Ser8*) in the LAMA3 gene. It is expected to result in an absent or disrupted protein product. This variant is not present in population databases (ExAC no frequency). This variant has not been reported in the literature in individuals with LAMA3-related conditions. Loss-of-function variants in LAMA3 are known to be pathogenic (PMID: 10366601, 11810295, 12915477, 16473856, 17362460, 23869449, 28087116). For these reasons, this variant has been classified as Pathogenic.

Literature cited by the submitters: PubMed 10366601; PubMed 11810295; PubMed 12915477; PubMed 16473856; PubMed 17362460; PubMed 23869449; PubMed 28087116.

NM_000227.6(LAMA3):c.23C>A (p.Ser8Ter)

Genes: LAMA3 (laminin subunit alpha 3; plus strand), LOC126862707 (MED14-independent group 3 enhancer GRCh37_chr18:21452354-21453553; plus strand). Cytogenetic location: 18q11.2.
Variant type: single nucleotide variant.
Coding change: c.23C>A on transcript NM_000227.6 (MANE Plus Clinical); coding-DNA position 23, C replaced by A.
Protein change: p.Ser8Ter; replaces serine 8 with a stop codon.
Molecular consequence: nonsense. On other transcripts: intron variant (2).
Genome position (GRCh38, 1-based): chr18:23,873,067, C>A. VCF-style: chr18-23873067-C-A. GRCh37 (hg19) VCF-style: chr18-21453031-C-A.
Other names: c.23C>A, p.Ser8Ter (NM_001127718.4); c.4998+1406C>A (NM_198129.4, NM_001127717.4); short protein forms S8*.
Identifiers: ClinVar variation 851042 (VCV000851042.8), dbSNP rs1389851824, ClinGen allele CA402044513.